The following is an entry in ClinVar:

NM_130837.3(OPA1):c.2988A>C (p.Lys996Asn)

Gene: OPA1 (OPA1 mitochondrial dynamin like GTPase; plus strand). Cytogenetic location: 3q29.
Variant type: single nucleotide variant.
Coding change: c.2988A>C on transcript NM_130837.3 (MANE Select); coding-DNA position 2988, A replaced by C.
Protein change: p.Lys996Asn; replaces lysine 996 with asparagine.
Molecular consequence: missense variant.
Genome position (GRCh38, 1-based): chr3:193,692,067, A>C. VCF-style: chr3-193692067-A-C. GRCh37 (hg19) VCF-style: chr3-193409856-A-C.
Other names: c.2454A>C, p.Lys818Asn (NM_001354663.2); c.2451A>C, p.Lys817Asn (NM_001354664.2); c.2823A>C, p.Lys941Asn (NM_015560.3); c.2715A>C, p.Lys905Asn (NM_130831.3); c.2769A>C, p.Lys923Asn (NM_130832.3); c.2826A>C, p.Lys942Asn (NM_130833.3); c.2877A>C, p.Lys959Asn (NM_130834.3); c.2880A>C, p.Lys960Asn (NM_130835.3); and 1 more; short protein forms K817N, K818N, K905N, K923N, K941N, K942N, K959N, K960N.
Identifiers: ClinVar variation 3252992 (VCV003252992.1), dbSNP rs2475490316.

ClinVar aggregate classification (germline): Uncertain significance (1 of 4 stars; one submission).

Submission:

GeneDx
Classification: Uncertain significance. Last evaluated: 2023-10-06. Review status: criteria provided, single submitter. Criteria: GeneDx Variant Classification Process June 2021. Collection method: clinical testing. Allele origin: germline. Affected: yes.
Comment: Not observed at significant frequency in large population cohorts (gnomAD); In silico analysis supports that this missense variant has a deleterious effect on protein structure/function; Has not been previously published as pathogenic or benign to our knowledge